The following is an entry in ClinVar:

ClinVar aggregate classification (germline): Uncertain significance. Review status: criteria provided, multiple submitters, no conflicts (2 of 4 stars). 4 submissions from 4 submitters: Uncertain significance (4). Last evaluated 2026-08-06.

Conditions:
Acute rhabdomyolysis. Identifiers: MedGen C3807306, HP:0008942.
Gnathodiaphyseal dysplasia (GDD). Also called: GNATHODIAPHYSEAL SCLEROSIS; OSTEOGENESIS IMPERFECTA WITH UNUSUAL SKELETAL LESIONS. Identifiers: Orphanet 53697, MedGen C1833736, MONDO:0008151, OMIM 166260.
Autosomal recessive limb-girdle muscular dystrophy type 2L (LGMDR12). Also called: Limb-girdle muscular dystrophy, type 2L; MUSCULAR DYSTROPHY, LIMB-GIRDLE, AUTOSOMAL RECESSIVE 12; Limb-Girdle Muscular Dystrophy R12 Anoctamin-5-Related (LGMD-R12). Identifiers: Orphanet 206549, MedGen C1969785, MONDO:0012652, OMIM 611307.

Allele frequency attached by ClinVar (database versions not stated): ExAC 0.00001; gnomAD exomes 0.00002 and 0.00003; TOPMed 0.00002.

Submissions (4):

NHS Central & South Genomic Laboratory Hub
Classification: Uncertain significance for Acute Rhabdomyolysis. Last evaluated: 2026-08-06. Review status: criteria provided, single submitter. Criteria: ACMG Guidelines, 2015. Collection method: clinical testing. Allele origin: germline. Affected: yes.

Labcorp Genetics (formerly Invitae), Labcorp
Classification: Uncertain significance for Autosomal recessive limb-girdle muscular dystrophy type 2L; Gnathodiaphyseal dysplasia. Last evaluated: 2024-08-12. Review status: criteria provided, single submitter. Criteria: Invitae Variant Classification Sherloc (09022015). Collection method: clinical testing. Allele origin: germline.
Comment: This sequence change replaces tyrosine, which is neutral and polar, with cysteine, which is neutral and slightly polar, at codon 806 of the ANO5 protein (p.Tyr806Cys). This variant is present in population databases (rs755040619, gnomAD 0.003%). This missense change has been observed in individual(s) with anoctaminopathy (PMID: 23606453). ClinVar contains an entry for this variant (Variation ID: 282180). An algorithm developed to predict the effect of missense changes on protein structure and function (PolyPhen-2) suggests that this variant is likely to be disruptive. In summary, the available evidence is currently insufficient to determine the role of this variant in disease. Therefore, it has been classified as a Variant of Uncertain Significance.

Blueprint Genetics
Classification: Uncertain significance. Last evaluated: 2024-04-18. Review status: criteria provided, single submitter. Criteria: ACMG Guidelines, 2015. Collection method: clinical testing. Allele origin: germline.

Eurofins Ntd Llc (ga)
Classification: Uncertain significance. Last evaluated: 2015-07-28. Review status: criteria provided, single submitter. Criteria: EGL Classification Definitions 2015. Collection method: clinical testing. Allele origin: germline. Observed: 2 variant alleles, 2 heterozygotes.

Literature cited by the submitters: PubMed 23606453 (cited by Labcorp Genetics (formerly Invitae), Labcorp).

NM_213599.3(ANO5):c.2417A>G (p.Tyr806Cys)

Gene: ANO5 (anoctamin 5; plus strand). Cytogenetic location: 11p14.3.
Variant type: single nucleotide variant.
Coding change: c.2417A>G on transcript NM_213599.3 (MANE Select); coding-DNA position 2417, A replaced by G.
Protein change: p.Tyr806Cys; replaces tyrosine 806 with cysteine.
Molecular consequence: missense variant.
Genome position (GRCh38, 1-based): chr11:22,276,096, A>G. VCF-style: chr11-22276096-A-G. GRCh37 (hg19) VCF-style: chr11-22297642-A-G.
Other names: c.2414A>G, p.Tyr805Cys (NM_001142649.2); short protein forms Y806C, Y805C.
Identifiers: ClinVar variation 282180 (VCV000282180.15), dbSNP rs755040619, ClinGen allele CA5923580.